The following is an entry in ClinVar:

ClinVar aggregate classification (germline): Uncertain significance. Review status: criteria provided, multiple submitters, no conflicts (2 of 4 stars). 2 submissions from 2 submitters: Uncertain significance (2). Last evaluated 2026-03-11.

Conditions:
SLC10A2-related disorder. Also called: SLC10A2-related condition.

Allele frequency attached by ClinVar (database versions not stated): gnomAD 0.00007; ESP Exome Variant Server 0.00008; gnomAD exomes 0.00009; TOPMed 0.00010; ExAC 0.00025.
gnomAD v4.1: 66 of 1,611,968 alleles (0.0041%); highest among the groups gnomAD compares: Admixed American, 0.11%; no homozygotes.

Submissions (2):

PreventionGenetics, part of Exact Sciences
Classification: Uncertain significance for SLC10A2-related condition. Last evaluated: 2026-03-11. Review status: criteria provided, single submitter. Criteria: ACMG Guidelines, 2015. Collection method: clinical testing. Allele origin: germline.
Comment: The SLC10A2 c.25G>C variant is predicted to result in the amino acid substitution p.Asp9His. To our knowledge, this variant has not been reported in the literature. This variant is reported in 0.14% of alleles in individuals of Latino descent in gnomAD. Although we suspect that this variant may be benign, at this time, the clinical significance of this variant is uncertain due to the absence of conclusive functional and genetic evidence.

Labcorp Genetics (formerly Invitae), Labcorp
Classification: Uncertain significance. Last evaluated: 2026-02-01. Review status: criteria provided, single submitter. Criteria: Invitae Variant Classification Sherloc (09022015). Collection method: clinical testing. Allele origin: germline.
Comment: This sequence change replaces aspartic acid, which is acidic and polar, with histidine, which is basic and polar, at codon 9 of the SLC10A2 protein (p.Asp9His). This variant is present in population databases (rs200018808, gnomAD 0.1%), and has an allele count higher than expected for a pathogenic variant. This variant has not been reported in the literature in individuals affected with SLC10A2-related conditions. ClinVar contains an entry for this variant (Variation ID: 2179217). An algorithm developed to predict the effect of missense changes on protein structure and function (PolyPhen-2) suggests that this variant is likely to be tolerated. In summary, the available evidence is currently insufficient to determine the role of this variant in disease. Therefore, it has been classified as a Variant of Uncertain Significance.

NM_000452.3(SLC10A2):c.25G>C (p.Asp9His)

Gene: SLC10A2 (solute carrier family 10 member 2; minus strand). Cytogenetic location: 13q33.1.
Variant type: single nucleotide variant.
Coding change: c.25G>C on transcript NM_000452.3 (MANE Select); coding-DNA position 25, G replaced by C.
Protein change: p.Asp9His; replaces aspartic acid 9 with histidine.
Molecular consequence: missense variant.
Genome position (GRCh38, 1-based): chr13:103,066,225, C>G on the plus strand (G>C on the coding strand, the complement: SLC10A2 is on the minus strand). VCF-style: chr13-103066225-C-G. GRCh37 (hg19) VCF-style: chr13-103718575-C-G.
Other names: c.25G>C (NM_000452.2); short protein forms D9H.
Identifiers: ClinVar variation 2179217 (VCV002179217.5), dbSNP rs200018808, ClinGen allele CA7042366.